The following is an entry in ClinVar:

NM_001348716.2(KDM6B):c.2915G>A (p.Cys972Tyr)

Gene: KDM6B (lysine demethylase 6B; plus strand). Cytogenetic location: 17p13.1.
Variant type: single nucleotide variant.
Coding change: c.2915G>A on transcript NM_001348716.2 (MANE Select); coding-DNA position 2915, G replaced by A.
Protein change: p.Cys972Tyr; replaces cysteine 972 with tyrosine.
Molecular consequence: missense variant.
Genome position (GRCh38, 1-based): chr17:7,849,203, G>A. VCF-style: chr17-7849203-G-A. GRCh37 (hg19) VCF-style: chr17-7752521-G-A.
Other names: c.2915G>A, p.Cys972Tyr (NM_001080424.2); short protein forms C972Y.
Identifiers: ClinVar variation 4535979 (VCV004535979.1).

ClinVar aggregate classification (germline): Uncertain significance (1 of 4 stars; one submission).

Submission:

Women's Health and Genetics/Laboratory Corporation of America, LabCorp
Classification: Uncertain significance. Last evaluated: 2025-09-24. Review status: criteria provided, single submitter. Criteria: LabCorp Variant Classification Summary - May 2015. Collection method: clinical testing. Allele origin: germline.
Comment: Variant summary: KDM6B c.2915G>A (p.Cys972Tyr) results in a non-conservative amino acid change in the encoded protein sequence. Algorithms developed to predict the effect of missense changes on protein structure and function are either unavailable or do not agree on the potential impact of this missense change. The variant was absent in 217890 control chromosomes. The available data on variant occurrences in the general population are insufficient to allow any conclusion about variant significance. To our knowledge, no occurrence of c.2915G>A in individuals affected with KDM6B-related conditions and no experimental evidence demonstrating its impact on protein function have been reported. No submitters have cited clinical-significance assessments for this variant to ClinVar. Based on the evidence outlined above, the variant was classified as uncertain significance.